The following is an entry in ClinVar:

NM_000548.5(TSC2):c.3000G>T (p.Leu1000Phe)

Gene: TSC2 (TSC complex subunit 2; plus strand). Cytogenetic location: 16p13.3.
Variant type: single nucleotide variant.
Coding change: c.3000G>T on transcript NM_000548.5 (MANE Select); coding-DNA position 3000, G replaced by T.
Protein change: p.Leu1000Phe; replaces leucine 1000 with phenylalanine.
Molecular consequence: missense variant. On other transcripts: non-coding transcript variant (5).
Genome position (GRCh38, 1-based): chr16:2,079,065, G>T. VCF-style: chr16-2079065-G-T. GRCh37 (hg19) VCF-style: chr16-2129066-G-T.
Other names: c.2868G>T, p.Leu956Phe (NM_001077183.3, NM_001370404.1, NM_001406665.1); c.3000G>T, p.Leu1000Phe (NM_001114382.3); c.2760G>T, p.Leu920Phe (NM_001318827.2); c.2724G>T, p.Leu908Phe (NM_001318829.2); c.2268G>T, p.Leu756Phe (NM_001318831.2, NM_001406687.1, NM_001406688.1); c.2901G>T, p.Leu967Phe (NM_001318832.2); c.2871G>T, p.Leu957Phe (NM_001363528.2, NM_001370405.1, NM_021055.3); c.2997G>T, p.Leu999Phe (NM_001406663.1, NM_001406664.1); and 18 more; short protein forms L1000F, L422F, L508F, L509F, L552F, L756F, L757F, L799F.
Identifiers: ClinVar variation 4802869 (VCV004802869.1).

ClinVar aggregate classification (germline): Uncertain significance (1 of 4 stars; one submission).

Conditions:
Tuberous sclerosis 2 (TSC2). Identifiers: Orphanet 805, MedGen C1860707, MONDO:0013199, OMIM 613254.

Submission:

Labcorp Genetics (formerly Invitae), Labcorp
Classification: Uncertain significance for Tuberous sclerosis 2. Last evaluated: 2025-05-23. Review status: criteria provided, single submitter. Criteria: Invitae Variant Classification Sherloc (09022015). Collection method: clinical testing. Allele origin: germline.
Comment: This sequence change replaces leucine, which is neutral and non-polar, with phenylalanine, which is neutral and non-polar, at codon 1000 of the TSC2 protein (p.Leu1000Phe). This variant is not present in population databases (gnomAD no frequency). This variant has not been reported in the literature in individuals affected with TSC2-related conditions. Invitae Evidence Modeling of protein sequence and biophysical properties (such as structural, functional, and spatial information, amino acid conservation, physicochemical variation, residue mobility, and thermodynamic stability) indicates that this missense variant is not expected to disrupt TSC2 protein function with a negative predictive value of 95%. In summary, the available evidence is currently insufficient to determine the role of this variant in disease. Therefore, it has been classified as a Variant of Uncertain Significance.